The following is an entry in ClinVar:

ClinVar aggregate classification (germline): Uncertain significance (1 of 4 stars; one submission).

Conditions:
3-methylcrotonyl-CoA carboxylase 1 deficiency (MCC1D). Also called: MCCD TYPE 1; METHYLCROTONYLGLYCINURIA TYPE I; MCC 1 deficiency; 3 Alpha methylcrotonylglycinuria 1. Identifiers: Orphanet 6, MedGen CN028786, MONDO:0008861, OMIM 210200.

Submission:

Labcorp Genetics (formerly Invitae), Labcorp
Classification: Uncertain significance for 3-methylcrotonyl-CoA carboxylase 1 deficiency. Last evaluated: 2021-08-14. Review status: criteria provided, single submitter. Criteria: Invitae Variant Classification Sherloc (09022015). Collection method: clinical testing. Allele origin: germline.
Comment: This sequence change replaces serine with asparagine at codon 277 of the MCCC1 protein (p.Ser277Asn). The serine residue is highly conserved and there is a small physicochemical difference between serine and asparagine. This variant is not present in population databases (ExAC no frequency). This variant has not been reported in the literature in individuals affected with MCCC1-related conditions. Advanced modeling of protein sequence and biophysical properties (such as structural, functional, and spatial information, amino acid conservation, physicochemical variation, residue mobility, and thermodynamic stability) performed at Invitae indicates that this missense variant is expected to disrupt MCCC1 protein function. In summary, the available evidence is currently insufficient to determine the role of this variant in disease. Therefore, it has been classified as a Variant of Uncertain Significance.

NM_020166.5(MCCC1):c.830G>A (p.Ser277Asn)

Gene: MCCC1 (methylcrotonyl-CoA carboxylase subunit 1; minus strand). Cytogenetic location: 3q27.1.
Variant type: single nucleotide variant.
Coding change: c.830G>A on transcript NM_020166.5 (MANE Select); coding-DNA position 830, G replaced by A.
Protein change: p.Ser277Asn; replaces serine 277 with asparagine.
Molecular consequence: missense variant. On other transcripts: non-coding transcript variant (2).
Genome position (GRCh38, 1-based): chr3:183,057,354, C>T on the plus strand (G>A on the coding strand, the complement: MCCC1 is on the minus strand). VCF-style: chr3-183057354-C-T. GRCh37 (hg19) VCF-style: chr3-182775142-C-T.
Other names: c.479G>A, p.Ser160Asn (NM_001293273.2); c.503G>A, p.Ser168Asn (NM_001363880.1); short protein forms S160N, S168N, S277N.
Identifiers: ClinVar variation 1346065 (VCV001346065.6), dbSNP rs2108505562, ClinGen allele CA355327774.